The following is an entry in ClinVar:

NM_020832.3(ZNF687):c.2816G>A (p.Arg939His)

Gene: ZNF687 (zinc finger protein 687; plus strand). Cytogenetic location: 1q21.3.
Variant type: single nucleotide variant.
Coding change: c.2816G>A on transcript NM_020832.3 (MANE Select); coding-DNA position 2816, G replaced by A.
Protein change: p.Arg939His; replaces arginine 939 with histidine.
Molecular consequence: missense variant.
Genome position (GRCh38, 1-based): chr1:151,289,859, G>A. VCF-style: chr1-151289859-G-A. GRCh37 (hg19) VCF-style: chr1-151262335-G-A.
Other names: c.2816G>A, p.Arg939His (NM_001304763.2, NM_001304764.2); c.2816G>A (NM_020832.1); short protein forms R939H.
Identifiers: ClinVar variation 1933222 (VCV001933222.7), dbSNP rs587704736, ClinGen allele CA1088650.

ClinVar aggregate classification (germline): Uncertain significance. Review status: criteria provided, multiple submitters, no conflicts (2 of 4 stars). 3 submissions from 3 submitters: Uncertain significance (3). Last evaluated 2025-02-19.

Allele frequency attached by ClinVar (database versions not stated): ExAC 0.00004; gnomAD 0.00005; TOPMed 0.00005; 1000 Genomes Project 30x 0.00016; 1000 Genomes Project 0.00020.

Submissions (3):

Women's Health and Genetics/Laboratory Corporation of America, LabCorp
Classification: Uncertain significance. Last evaluated: 2025-02-19. Review status: criteria provided, single submitter. Criteria: LabCorp Variant Classification Summary - May 2015. Collection method: clinical testing. Allele origin: germline.
Comment: Variant summary: ZNF687 c.2816G>A (p.Arg939His) results in a non-conservative amino acid change in the encoded protein sequence. Four of five in-silico tools predict a benign effect of the variant on protein function. The variant allele was found at a frequency of 2.3e-05 in 174996 control chromosomes. The available data on variant occurrences in the general population are insufficient to allow any conclusion about variant significance. To our knowledge, no occurrence of c.2816G>A in individuals affected with Paget Disease Of Bone 6 and no experimental evidence demonstrating its impact on protein function have been reported. ClinVar contains an entry for this variant (Variation ID: 1933222). Based on the evidence outlined above, the variant was classified as uncertain significance.

Labcorp Genetics (formerly Invitae), Labcorp
Classification: Uncertain significance. Last evaluated: 2024-12-08. Review status: criteria provided, single submitter. Criteria: Invitae Variant Classification Sherloc (09022015). Collection method: clinical testing. Allele origin: germline.
Comment: This sequence change replaces arginine, which is basic and polar, with histidine, which is basic and polar, at codon 939 of the ZNF687 protein (p.Arg939His). The frequency data for this variant in the population databases is considered unreliable, as metrics indicate poor data quality at this position in the gnomAD database. This variant has not been reported in the literature in individuals affected with ZNF687-related conditions. ClinVar contains an entry for this variant (Variation ID: 1933222). An algorithm developed to predict the effect of missense changes on protein structure and function (PolyPhen-2) suggests that this variant is likely to be disruptive. In summary, the available evidence is currently insufficient to determine the role of this variant in disease. Therefore, it has been classified as a Variant of Uncertain Significance.

Ambry Genetics
Classification: Uncertain significance. Last evaluated: 2024-06-26. Review status: criteria provided, single submitter. Criteria: Ambry Variant Classification Scheme 2023. Collection method: clinical testing. Allele origin: germline.